The following is an entry in ClinVar:

NM_003742.4(ABCB11):c.3766-2A>T

Gene: ABCB11 (ATP binding cassette subfamily B member 11; minus strand). Cytogenetic location: 2q31.1.
Variant type: single nucleotide variant.
Coding change: c.3766-2A>T on transcript NM_003742.4 (MANE Select); the canonical splice acceptor site of the intron before coding-DNA position 3766, A replaced by T.
Molecular consequence: splice acceptor variant.
Genome position (GRCh38, 1-based): chr2:168,923,824, T>A on the plus strand (A>T on the coding strand, the complement: ABCB11 is on the minus strand). VCF-style: chr2-168923824-T-A. GRCh37 (hg19) VCF-style: chr2-169780334-T-A.
Identifiers: ClinVar variation 4846712 (VCV004846712.1).

ClinVar aggregate classification (germline): Pathogenic (1 of 4 stars; one submission).

Conditions:
Familial intrahepatic cholestasis. Identifiers: Orphanet 284385, MedGen CN296401, MONDO:0017290.

Submission:

Genomenon, Inc
Classification: Pathogenic for Familial intrahepatic cholestasis. Last evaluated: 2026-04-14. Review status: criteria provided, single submitter. Criteria: Genomenon Sequence Variant Interpretation Standards - Updated. Collection method: curation. Allele origin: germline. Affected: yes.
Comment: ABCB11 c.3766-2A>T is a canonical splice variant affecting the acceptor splice site of intron 27. It is predicted to affect mRNA splicing, leading to a deleterious effect on the ABCB11 protein. This variant has been observed in at least one proband with an ABCB11-related disorder (PMID:35780807). It is absent or not present at a significant frequency in gnomAD. In conclusion, we classify ABCB11 c.3766-2A>T as a pathogenic variant.

Literature cited by the submitters: PubMed 35780807.